The following is an entry in ClinVar:

ClinVar aggregate classification (germline): Uncertain significance (1 of 4 stars; one submission).

gnomAD v4.1: 3 of 1,574,124 alleles (0.00019%); highest among the groups gnomAD compares: African/African-American, 0.0028%; no homozygotes.

Submission:

Labcorp Genetics (formerly Invitae), Labcorp
Classification: Uncertain significance. Last evaluated: 2024-03-15. Review status: criteria provided, single submitter. Criteria: Invitae Variant Classification Sherloc (09022015). Collection method: clinical testing. Allele origin: germline.
Comment: This sequence change replaces arginine, which is basic and polar, with lysine, which is basic and polar, at codon 1327 of the MAGI2 protein (p.Arg1327Lys). This variant is not present in population databases (gnomAD no frequency). This variant has not been reported in the literature in individuals affected with MAGI2-related conditions. Algorithms developed to predict the effect of missense changes on protein structure and function output the following: SIFT: "Not Available"; PolyPhen-2: "Benign"; Align-GVGD: "Not Available". The lysine amino acid residue is found in multiple mammalian species, which suggests that this missense change does not adversely affect protein function. In summary, the available evidence is currently insufficient to determine the role of this variant in disease. Therefore, it has been classified as a Variant of Uncertain Significance.

NM_012301.4(MAGI2):c.3980G>A (p.Arg1327Lys)

Gene: MAGI2 (membrane associated guanylate kinase, WW and PDZ domain containing 2; minus strand). Cytogenetic location: 7q21.11.
Variant type: single nucleotide variant.
Coding change: c.3980G>A on transcript NM_012301.4 (MANE Select); coding-DNA position 3980, G replaced by A.
Protein change: p.Arg1327Lys; replaces arginine 1327 with lysine.
Molecular consequence: missense variant.
Genome position (GRCh38, 1-based): chr7:78,019,703, C>T on the plus strand (G>A on the coding strand, the complement: MAGI2 is on the minus strand). VCF-style: chr7-78019703-C-T. GRCh37 (hg19) VCF-style: chr7-77649020-C-T.
Other names: c.3938G>A, p.Arg1313Lys (NM_001301128.2); short protein forms R1313K, R1327K.
Identifiers: ClinVar variation 3637449 (VCV003637449.2).